The following is an entry in ClinVar:

NM_020832.3(ZNF687):c.3461G>A (p.Arg1154His)

Gene: ZNF687 (zinc finger protein 687; plus strand). Cytogenetic location: 1q21.3.
Variant type: single nucleotide variant.
Coding change: c.3461G>A on transcript NM_020832.3 (MANE Select); coding-DNA position 3461, G replaced by A.
Protein change: p.Arg1154His; replaces arginine 1154 with histidine.
Molecular consequence: missense variant.
Genome position (GRCh38, 1-based): chr1:151,290,956, G>A. VCF-style: chr1-151290956-G-A. GRCh37 (hg19) VCF-style: chr1-151263432-G-A.
Other names: c.3461G>A, p.Arg1154His (NM_001304763.2, NM_001304764.2); short protein forms R1154H.
Identifiers: ClinVar variation 2979044 (VCV002979044.4), dbSNP rs3748547, ClinGen allele CA1088882.

ClinVar aggregate classification (germline): Uncertain significance. Review status: criteria provided, multiple submitters, no conflicts (2 of 4 stars). 2 submissions from 2 submitters: Uncertain significance (2). Last evaluated 2024-03-01.

Conditions:
Paget disease of bone 6 (PDB6). Identifiers: MedGen C4085250, MONDO:0014792, OMIM 616833.

Allele frequency attached by ClinVar (database versions not stated): ExAC 0.00002; gnomAD 0.00002.

Submissions (2):

Labcorp Genetics (formerly Invitae), Labcorp
Classification: Uncertain significance. Last evaluated: 2024-03-01. Review status: criteria provided, single submitter. Criteria: Invitae Variant Classification Sherloc (09022015). Collection method: clinical testing. Allele origin: germline.
Comment: This sequence change replaces arginine, which is basic and polar, with histidine, which is basic and polar, at codon 1154 of the ZNF687 protein (p.Arg1154His). The frequency data for this variant in the population databases is considered unreliable, as metrics indicate poor data quality at this position in the gnomAD database. This variant has not been reported in the literature in individuals affected with ZNF687-related conditions. An algorithm developed to predict the effect of missense changes on protein structure and function (PolyPhen-2) suggests that this variant is likely to be disruptive. In summary, the available evidence is currently insufficient to determine the role of this variant in disease. Therefore, it has been classified as a Variant of Uncertain Significance.

Department of Pathology and Laboratory Medicine, Sinai Health System
Classification: Uncertain significance for Paget disease of bone 6. Last evaluated: 2022-06-23. Review status: criteria provided, single submitter. Criteria: ACMG Guidelines, 2015. Collection method: research. Allele origin: germline.